The following is an entry in ClinVar:

NM_000179.3(MSH6):c.2866G>A (p.Glu956Lys)

Gene: MSH6 (mutS homolog 6; plus strand). Cytogenetic location: 2p16.3.
Variant type: single nucleotide variant.
Coding change: c.2866G>A on transcript NM_000179.3 (MANE Select); coding-DNA position 2866, G replaced by A.
Protein change: p.Glu956Lys; replaces glutamic acid 956 with lysine.
Molecular consequence: missense variant.
Genome position (GRCh38, 1-based): chr2:47,800,849, G>A. VCF-style: chr2-47800849-G-A. GRCh37 (hg19) VCF-style: chr2-48027988-G-A.
Other names: c.2476G>A, p.Glu826Lys (NM_001281492.2); c.1960G>A, p.Glu654Lys (NM_001281493.2, NM_001281494.2); short protein forms E956K, E654K, E826K.
Identifiers: ClinVar variation 479882 (VCV000479882.9), dbSNP rs935578138, ClinGen allele CA46712305.

ClinVar aggregate classification (germline): Uncertain significance. Review status: criteria provided, multiple submitters, no conflicts (2 of 4 stars). 2 submissions from 2 submitters: Uncertain significance (2). Last evaluated 2025-05-04.

Conditions:
Hereditary cancer-predisposing syndrome. Also called: Hereditary Cancer Syndrome; Neoplastic Syndromes, Hereditary; Tumor predisposition; Hereditary neoplastic syndrome. Identifiers: Orphanet 140162, MedGen C0027672, MeSH D009386, MONDO:0015356.
Hereditary nonpolyposis colorectal neoplasms. Identifiers: MedGen C0009405, MeSH D003123.

Allele frequency attached by ClinVar (database versions not stated): gnomAD exomes below 0.00001.
gnomAD v4.1: 2 of 1,614,054 alleles (0.00012%); highest among the groups gnomAD compares: Non-Finnish European, 0.00017%; no homozygotes.

Submissions (2):

Ambry Genetics
Classification: Uncertain significance for Hereditary cancer-predisposing syndrome. Last evaluated: 2025-05-04. Review status: criteria provided, single submitter. Criteria: Ambry Variant Classification Scheme 2023. Collection method: clinical testing. Allele origin: germline.
Comment: The p.E956K variant (also known as c.2866G>A), located in coding exon 4 of the MSH6 gene, results from a G to A substitution at nucleotide position 2866. The glutamic acid at codon 956 is replaced by lysine, an amino acid with similar properties. This amino acid position is not well conserved in available vertebrate species. In addition, the in silico prediction for this alteration is inconclusive. Since supporting evidence is limited at this time, the clinical significance of this alteration remains unclear.

Labcorp Genetics (formerly Invitae), Labcorp
Classification: Uncertain significance for Hereditary nonpolyposis colorectal neoplasms. Last evaluated: 2023-12-01. Review status: criteria provided, single submitter. Criteria: Invitae Variant Classification Sherloc (09022015). Collection method: clinical testing. Allele origin: germline.
Comment: This sequence change replaces glutamic acid, which is acidic and polar, with lysine, which is basic and polar, at codon 956 of the MSH6 protein (p.Glu956Lys). This variant is not present in population databases (gnomAD no frequency). This variant has not been reported in the literature in individuals affected with MSH6-related conditions. ClinVar contains an entry for this variant (Variation ID: 479882). Advanced modeling of protein sequence and biophysical properties (such as structural, functional, and spatial information, amino acid conservation, physicochemical variation, residue mobility, and thermodynamic stability) performed at Invitae indicates that this missense variant is not expected to disrupt MSH6 protein function with a negative predictive value of 95%. In summary, the available evidence is currently insufficient to determine the role of this variant in disease. Therefore, it has been classified as a Variant of Uncertain Significance.